The following is an entry in ClinVar:

ClinVar aggregate classification (germline): Uncertain significance (1 of 4 stars; one submission).

Conditions:
Primary ciliary dyskinesia. Also called: Ciliary dyskinesia. Identifiers: Orphanet 244, MedGen C0008780, MONDO:0016575, HP:0012265.

Submission:

Labcorp Genetics (formerly Invitae), Labcorp
Classification: Uncertain significance for Primary ciliary dyskinesia. Last evaluated: 2025-11-06. Review status: criteria provided, single submitter. Criteria: Invitae Variant Classification Sherloc (09022015). Collection method: clinical testing. Allele origin: germline.
Comment: This sequence change replaces tryptophan, which is neutral and slightly polar, with arginine, which is basic and polar, at codon 1702 of the DNAH11 protein (p.Trp1702Arg). This variant is not present in population databases (gnomAD no frequency). This variant has not been reported in the literature in individuals affected with DNAH11-related conditions. Invitae Evidence Modeling of protein sequence and biophysical properties (such as structural, functional, and spatial information, amino acid conservation, physicochemical variation, residue mobility, and thermodynamic stability) has been performed for this missense variant. However, the output from this modeling did not meet the statistical confidence thresholds required to predict the impact of this variant on DNAH11 protein function. In summary, the available evidence is currently insufficient to determine the role of this variant in disease. Therefore, it has been classified as a Variant of Uncertain Significance.

NM_001277115.2(DNAH11):c.5104T>C (p.Trp1702Arg)

Gene: DNAH11 (dynein axonemal heavy chain 11; plus strand). Cytogenetic location: 7p15.3.
Variant type: single nucleotide variant.
Coding change: c.5104T>C on transcript NM_001277115.2 (MANE Select); coding-DNA position 5104, T replaced by C.
Protein change: p.Trp1702Arg; replaces tryptophan 1702 with arginine.
Molecular consequence: missense variant.
Genome position (GRCh38, 1-based): chr7:21,658,807, T>C. VCF-style: chr7-21658807-T-C. GRCh37 (hg19) VCF-style: chr7-21698425-T-C.
Other names: short protein forms W1702R.
Identifiers: ClinVar variation 4746312 (VCV004746312.1).